The following is an entry in ClinVar:

NM_001421.4(ELF4):c.1278G>A (p.Thr426=)

Gene: ELF4 (E74 like ETS transcription factor 4; minus strand). Cytogenetic location: Xq26.1.
Variant type: single nucleotide variant.
Coding change: c.1278G>A on transcript NM_001421.4 (MANE Select); coding-DNA position 1278, G replaced by A.
Protein change: p.Thr426=; no amino-acid change (threonine 426 retained).
Molecular consequence: synonymous variant.
Genome position (GRCh38, 1-based): chrX:130,067,435, C>T on the plus strand (G>A on the coding strand, the complement: ELF4 is on the minus strand). VCF-style: chrX-130067435-C-T. GRCh37 (hg19) VCF-style: chrX-129201410-C-T.
Other names: c.1278G>A, p.Thr426= (NM_001127197.2, NM_001440765.1, NM_001440766.1).
Identifiers: ClinVar variation 4981881 (VCV004981881.1).

ClinVar aggregate classification (germline): Likely benign (1 of 4 stars; one submission).

Conditions:
ELF4-related disorder. Also called: ELF4-related condition.

gnomAD v4.1: 15 of 1,210,270 alleles (0.0012%); highest among the groups gnomAD compares: East Asian, 0.012%; no homozygotes.

Submission:

PreventionGenetics, part of Exact Sciences
Classification: Likely benign for ELF4-related condition. Last evaluated: 2025-12-30. Review status: criteria provided, single submitter. Criteria: ACMG Guidelines, 2015. Collection method: clinical testing. Allele origin: germline.
Comment: This variant is classified as likely benign based on ACMG/AMP sequence variant interpretation guidelines (Richards et al. 2015 PMID: 25741868, with internal and published modifications).